The following is an entry in ClinVar:

ClinVar aggregate classification (germline): Uncertain significance. Review status: criteria provided, multiple submitters, no conflicts (2 of 4 stars). 2 submissions from 2 submitters: Uncertain significance (2). Last evaluated 2024-01-03.

Conditions:
Inborn genetic diseases. Identifiers: MedGen C0950123, MeSH D030342.
Biotinidase deficiency. Also called: Biotin deficiency; BTD deficiency; Late-onset biotin-responsive multiple carboxylase deficiency. Identifiers: Orphanet 79241, MedGen C0220754, MONDO:0009665, OMIM 253260.

Allele frequency attached by ClinVar (database versions not stated): gnomAD exomes below 0.00001 and 0.00001; ExAC 0.00001; gnomAD 0.00001; TOPMed 0.00001.
gnomAD v4.1: 9 of 1,614,252 alleles (0.00056%); highest among the groups gnomAD compares: African/African-American, 0.008%; no homozygotes.

Submissions (2):

Ambry Genetics
Classification: Uncertain significance for Inborn genetic diseases. Last evaluated: 2024-01-03. Review status: criteria provided, single submitter. Criteria: Ambry Variant Classification Scheme 2023. Collection method: clinical testing. Allele origin: germline.

Labcorp Genetics (formerly Invitae), Labcorp
Classification: Uncertain significance for Biotinidase deficiency. Last evaluated: 2022-08-16. Review status: criteria provided, single submitter. Criteria: Invitae Variant Classification Sherloc (09022015). Collection method: clinical testing. Allele origin: germline.
Comment: Algorithms developed to predict the effect of missense changes on protein structure and function are either unavailable or do not agree on the potential impact of this missense change (SIFT: "Tolerated"; PolyPhen-2: "Possibly Damaging"; Align-GVGD: "Class C0"). ClinVar contains an entry for this variant (Variation ID: 1481279). This variant has not been reported in the literature in individuals affected with BTD-related conditions. This variant is present in population databases (rs775369290, gnomAD 0.007%). This sequence change replaces cysteine, which is neutral and slightly polar, with arginine, which is basic and polar, at codon 371 of the BTD protein (p.Cys371Arg). In summary, the available evidence is currently insufficient to determine the role of this variant in disease. Therefore, it has been classified as a Variant of Uncertain Significance.

NM_001370658.1(BTD):c.1051T>C (p.Cys351Arg)

Gene: BTD (biotinidase; plus strand). Cytogenetic location: 3p25.1.
Variant type: single nucleotide variant.
Coding change: c.1051T>C on transcript NM_001370658.1 (MANE Select); coding-DNA position 1051, T replaced by C.
Protein change: p.Cys351Arg; replaces cysteine 351 with arginine.
Molecular consequence: missense variant. On other transcripts: intron variant (8).
Genome position (GRCh38, 1-based): chr3:15,644,967, T>C. VCF-style: chr3-15644967-T-C. GRCh37 (hg19) VCF-style: chr3-15686474-T-C.
Other names: c.1111T>C (NM_000060.2); c.1051T>C, p.Cys351Arg (NM_001281723.4, NM_001281724.3, NM_001281725.3 and 16 more transcripts); c.1015+36T>C (NM_001370752.1, NM_001407379.1); c.399+2910T>C (NM_001370753.1, NM_001407400.1, NM_001407380.1 and 3 more transcripts); short protein forms C351R.
Identifiers: ClinVar variation 1481279 (VCV001481279.9), dbSNP rs775369290, ClinGen allele CA2277426.